The following is an entry in ClinVar:

ClinVar aggregate classification (germline): Benign/Likely benign. Review status: criteria provided, multiple submitters, no conflicts (2 of 4 stars). 7 submissions from 7 submitters: Benign (5); Likely benign (1). 1 of the submissions does not count toward it. Last evaluated 2026-02-03.

Conditions:
Pulmonary hypertension, primary, 3. Identifiers: Orphanet 422, MedGen C3809192, MONDO:0014135, OMIM 615343.
Inborn genetic diseases. Identifiers: MedGen C0950123, MeSH D030342.

Allele frequency attached by ClinVar (database versions not stated): gnomAD exomes 0.00890; ExAC 0.01069; gnomAD 0.03440 and 0.03703; 1000 Genomes Project 0.03534; 1000 Genomes Project 30x 0.03685; ESP Exome Variant Server 0.03698; TOPMed 0.03838.

Submissions (7):

Labcorp Genetics (formerly Invitae), Labcorp
Classification: Benign for Pulmonary hypertension, primary, 3. Last evaluated: 2026-02-03. Review status: criteria provided, single submitter. Criteria: Invitae Variant Classification Sherloc (09022015). Collection method: clinical testing. Allele origin: germline.

Blueprint Genetics
Classification: Benign. Last evaluated: 2024-11-26. Review status: criteria provided, single submitter. Criteria: ACMG Guidelines, 2015. Collection method: clinical testing. Allele origin: germline.

ARUP Laboratories, Molecular Genetics and Genomics, ARUP Laboratories
Classification: Benign. Last evaluated: 2023-10-17. Review status: criteria provided, single submitter. Criteria: ARUP Molecular Germline Variant Investigation Process 2024. Collection method: clinical testing. Allele origin: germline.

Ambry Genetics
Classification: Likely benign for Inborn genetic diseases. Last evaluated: 2022-05-17. Review status: criteria provided, single submitter. Criteria: Ambry Variant Classification Scheme 2023. Collection method: clinical testing. Allele origin: germline.

GeneDx
Classification: Benign. Last evaluated: 2015-02-25. Review status: criteria provided, single submitter. Criteria: GeneDx Variant Classification (06012015). Collection method: clinical testing. Allele origin: germline. Affected: yes.
Comment: This variant is considered likely benign or benign based on one or more of the following criteria: it is a conservative change, it occurs at a poorly conserved position in the protein, it is predicted to be benign by multiple in silico algorithms, and/or has population frequency not consistent with disease.

Breakthrough Genomics
Classification: Benign. Review status: criteria provided, single submitter. Criteria: ACMG Guidelines, 2015. Collection method: not provided. Allele origin: germline. Inheritance: Autosomal recessive inheritance. Affected: yes.

Genetic Services Laboratory, University of Chicago
Classification: Likely benign for AllHighlyPenetrant. Review status: no assertion criteria provided. Collection method: clinical testing. Allele origin: germline. Inheritance: Autosomal recessive inheritance. Not counted in ClinVar's aggregate classification.
Comment: Likely benign based on allele frequency in 1000 Genomes Project or ESP global frequency and its presence in a patient with a rare or unrelated disease phenotype. NOT Sanger confirmed.

NM_001753.5(CAV1):c.156C>T (p.Val52=)

Genes: CAV1 (caveolin 1; plus strand), LOC129999169 (ATAC-STARR-seq lymphoblastoid silent region 18558; plus strand). Cytogenetic location: 7q31.2.
Variant type: single nucleotide variant.
Coding change: c.156C>T on transcript NM_001753.5 (MANE Select); coding-DNA position 156, C replaced by T.
Protein change: p.Val52=; no amino-acid change (valine 52 retained).
Molecular consequence: synonymous variant.
Genome position (GRCh38, 1-based): chr7:116,526,650, C>T. VCF-style: chr7-116526650-C-T. GRCh37 (hg19) VCF-style: chr7-116166704-C-T.
Other names: p.V52V:GTC>GTT; c.63C>T, p.Val21= (NM_001172895.1, NM_001172896.2, NM_001172897.2).
Identifiers: ClinVar variation 128610 (VCV000128610.27), dbSNP rs10029, ClinGen allele CA288704.